The following is an entry in ClinVar:

NM_007294.4(BRCA1):c.4912G>C (p.Glu1638Gln)

Gene: BRCA1 (BRCA1 DNA repair associated; minus strand). Cytogenetic location: 17q21.31.
Variant type: single nucleotide variant.
Coding change: c.4912G>C on transcript NM_007294.4 (MANE Select); coding-DNA position 4912, G replaced by C.
Protein change: p.Glu1638Gln; replaces glutamic acid 1638 with glutamine.
Molecular consequence: missense variant. On other transcripts: non-coding transcript variant (1).
Genome position (GRCh38, 1-based): chr17:43,071,002, C>G on the plus strand (G>C on the coding strand, the complement: BRCA1 is on the minus strand). VCF-style: chr17-43071002-C-G. GRCh37 (hg19) VCF-style: chr17-41223019-C-G.
Other names: c.4699G>C, p.Glu1567Gln (NM_001407571.1, NM_001407898.1, NM_001407899.1 and 12 more transcripts); c.4978G>C, p.Glu1660Gln (NM_001407581.1, NM_001407582.1); c.4975G>C, p.Glu1659Gln (NM_001407583.1, NM_001407585.1, NM_001407587.1 and 1 more transcripts); c.4972G>C, p.Glu1658Gln (NM_001407590.1, NM_001407591.1); c.4912G>C, p.Glu1638Gln (NM_001407593.1, NM_001407594.1, NM_001407596.1 and 8 more transcripts); c.4909G>C, p.Glu1637Gln (NM_001407610.1, NM_001407611.1, NM_001407612.1 and 17 more transcripts); c.4906G>C, p.Glu1636Gln (NM_001407627.1, NM_001407628.1, NM_001407629.1 and 14 more transcripts); c.4897G>C, p.Glu1633Gln (NM_001407647.1); and 70 more; short protein forms E1659Q, E534Q, E1591Q, E1638Q, E1342Q, E1484Q, E1510Q, E1525Q.
Identifiers: ClinVar variation 868399 (VCV000868399.3), dbSNP rs2052380758, ClinGen allele CA10591700.

Conditions:
Breast-ovarian cancer, familial, susceptibility to, 1 (BROVCA1). Also called: BRCA1 Hereditary Breast and Ovarian Cancer; OVARIAN CANCER, SUSCEPTIBILITY TO. Identifiers: Orphanet 145, MedGen C2676676, MONDO:0011450, OMIM 604370. Disease mechanism: loss of function.

Submission:

Brotman Baty Institute, University of Washington
No classification provided (evidence only). Condition: Breast-ovarian cancer, familial 1. Review status: no classification provided. Collection method: in vitro. Allele origin: not applicable. Functional consequence: functionally_normal.
ClinVar note: "not provided" was previously submitted as the classification for the variant. However, the classification appeared to be based only on an observation of functional data so it was converted to no classification on 2025-07-30.